The following is an entry in ClinVar:

ClinVar aggregate classification (germline): Benign (1 of 4 stars; one submission).

Allele frequency attached by ClinVar (database versions not stated): gnomAD exomes below 0.00001; TOPMed below 0.00001; gnomAD 0.00001.
gnomAD v4.1: 2 of 1,612,762 alleles (0.00012%); highest among the groups gnomAD compares: Non-Finnish European, 0.00017%; no homozygotes.

Submission:

Biesecker Lab/Clinical Genomics Section, National Institutes of Health
Classification: Benign. Last evaluated: 2013-06-24. Review status: criteria provided, single submitter. Criteria: Ng et al. (Circ Cardiovasc Genet. 2013). Collection method: research. Allele origin: unknown. Observed: 4 variant alleles. Study: ClinSeq.
Comment: The study set was not selected for affection status in relation to any cancer. Pathogenicity categories were based on literature curation. See Pubmed ID:23861362 for details.

Medical sequencing

NM_001267550.2(TTN):c.69129C>T (p.Pro23043=)

Genes: TTN (titin; minus strand), TTN-AS1 (TTN antisense RNA 1; plus strand). Cytogenetic location: 2q31.2.
Variant type: single nucleotide variant.
Coding change: c.69129C>T on transcript NM_001267550.2 (MANE Select); coding-DNA position 69129, C replaced by T.
Protein change: p.Pro23043=; no amino-acid change (proline 23043 retained).
Molecular consequence: synonymous variant.
Genome position (GRCh38, 1-based): chr2:178,577,206, G>A on the plus strand (C>T on the coding strand, the complement: TTN is on the minus strand). VCF-style: chr2-178577206-G-A. GRCh37 (hg19) VCF-style: chr2-179441933-G-A.
Other names: c.64206C>T, p.Pro21402= (NM_001256850.1); c.41934C>T, p.Pro13978= (NM_003319.4); c.61425C>T, p.Pro20475= (NM_133378.4); c.42309C>T, p.Pro14103= (NM_133432.3); c.42510C>T, p.Pro14170= (NM_133437.4).
Identifiers: ClinVar variation 192208 (VCV000192208.1), dbSNP rs786205332, ClinGen allele CA200088.